The following is an entry in ClinVar:

NM_000404.4(GLB1):c.76-4483G>A

Gene: GLB1 (galactosidase beta 1; minus strand). Cytogenetic location: 3p22.3.
Variant type: single nucleotide variant.
Coding change: c.76-4483G>A on transcript NM_000404.4 (MANE Select); 4483 bases into the intron before coding-DNA position 76, G replaced by A.
Molecular consequence: intron variant. On other transcripts: synonymous variant (1).
Genome position (GRCh38, 1-based): chr3:33,077,196, C>T on the plus strand (G>A on the coding strand, the complement: GLB1 is on the minus strand). VCF-style: chr3-33077196-C-T. GRCh37 (hg19) VCF-style: chr3-33118688-C-T.
Other names: c.-15-4483G>A (NM_001079811.3); c.117G>A, p.Ala39= (NM_001317040.2); c.76-4483G>A (NM_001393580.1, NM_001135602.3); c.117G>A (NM_001317040.1).
Identifiers: ClinVar variation 2653649 (VCV002653649.25), dbSNP rs201413167, ClinGen allele CA2299818.

ClinVar aggregate classification (germline): Benign. Review status: criteria provided, single submitter (1 of 4 stars). 2 submissions from 2 submitters: Benign (1). 1 of the submissions does not count toward it. Last evaluated 2025-06-01.

Conditions:
GLB1-related disorder. Also called: GLB1-related disorders. Identifiers: MedGen CN377807.

Allele frequency attached by ClinVar (database versions not stated): TOPMed 0.00078; gnomAD 0.00082; 1000 Genomes Project 0.00140; 1000 Genomes Project 30x 0.00187; ExAC 0.00822.

Submissions (2):

CeGaT Center for Human Genetics Tuebingen
Classification: Benign. Last evaluated: 2025-06-01. Review status: criteria provided, single submitter. Criteria: CeGaT Center For Human Genetics Tuebingen Variant Classification Criteria Version 2. Collection method: clinical testing. Allele origin: germline. Affected: yes. Observed: 3 variant alleles.
Comment: GLB1: BP4, BP7, BS1, BS2

PreventionGenetics, part of Exact Sciences
Classification: Benign for GLB1-related condition. Last evaluated: 2019-07-18. Review status: no assertion criteria provided. Collection method: clinical testing. Allele origin: germline. Not counted in ClinVar's aggregate classification.
Comment: This variant is classified as benign based on ACMG/AMP sequence variant interpretation guidelines (Richards et al. 2015 PMID: 25741868, with internal and published modifications).